The following is an entry in ClinVar:

NM_002528.7(NTHL1):c.780G>C (p.Glu260Asp)

Gene: NTHL1 (nth like DNA glycosylase 1; minus strand). Cytogenetic location: 16p13.3.
Variant type: single nucleotide variant.
Coding change: c.780G>C on transcript NM_002528.7 (MANE Select); coding-DNA position 780, G replaced by C.
Protein change: p.Glu260Asp; replaces glutamic acid 260 with aspartic acid.
Molecular consequence: missense variant.
Genome position (GRCh38, 1-based): chr16:2,040,144, C>G on the plus strand (G>C on the coding strand, the complement: NTHL1 is on the minus strand). VCF-style: chr16-2040144-C-G. GRCh37 (hg19) VCF-style: chr16-2090145-C-G.
Other names: c.609G>C, p.Glu203Asp (NM_001318193.2); c.450G>C, p.Glu150Asp (NM_001318194.2); c.804G>C (NM_002528.5); short protein forms E150D, E203D, E260D.
Identifiers: ClinVar variation 2811879 (VCV002811879.4), dbSNP rs2233523, ClinGen allele CA394288690.

ClinVar aggregate classification (germline): Uncertain significance. Review status: criteria provided, multiple submitters, no conflicts (2 of 4 stars). 2 submissions from 2 submitters: Uncertain significance (2). Last evaluated 2026-07-06.

Conditions:
Hereditary cancer-predisposing syndrome. Also called: Hereditary Cancer Syndrome; Hereditary neoplastic syndrome; Neoplastic Syndromes, Hereditary; Tumor predisposition. Identifiers: Orphanet 140162, MedGen C0027672, MeSH D009386, MONDO:0015356.

Allele frequency attached by ClinVar (database versions not stated): gnomAD 0.00001.
gnomAD v4.1: 1 of 1,613,854 alleles (0.000062%); highest among the groups gnomAD compares: East Asian, 0.0022%; no homozygotes.

Submissions (2):

Ambry Genetics
Classification: Uncertain significance for Hereditary cancer-predisposing syndrome. Last evaluated: 2026-07-06. Review status: criteria provided, single submitter. Criteria: Ambry Variant Classification Scheme 2023. Collection method: clinical testing. Allele origin: germline.
Comment: The p.E268D variant (also known as c.804G>C), located in coding exon 5 of the NTHL1 gene, results from a G to C substitution at nucleotide position 804. The glutamic acid at codon 268 is replaced by aspartic acid, an amino acid with highly similar properties. This amino acid position is conserved. In addition, this alteration is predicted to be tolerated by in silico analysis. Based on the available evidence, the clinical significance of this variant remains unclear.

Labcorp Genetics (formerly Invitae), Labcorp
Classification: Uncertain significance. Last evaluated: 2022-11-03. Review status: criteria provided, single submitter. Criteria: Invitae Variant Classification Sherloc (09022015). Collection method: clinical testing. Allele origin: germline.
Comment: In summary, the available evidence is currently insufficient to determine the role of this variant in disease. Therefore, it has been classified as a Variant of Uncertain Significance. This sequence change replaces glutamic acid, which is acidic and polar, with aspartic acid, which is acidic and polar, at codon 268 of the NTHL1 protein (p.Glu268Asp). This variant is not present in population databases (gnomAD no frequency). This variant has not been reported in the literature in individuals affected with NTHL1-related conditions. Algorithms developed to predict the effect of missense changes on protein structure and function output the following: SIFT: "Not Available"; PolyPhen-2: "Benign"; Align-GVGD: "Not Available". The aspartic acid amino acid residue is found in multiple mammalian species, which suggests that this missense change does not adversely affect protein function.